The following is an entry in ClinVar:

NM_000533.5(PLP1):c.205C>T (p.Gln69Ter)

Genes: PLP1 (proteolipid protein 1; plus strand), RAB9B (RAB9B, member RAS oncogene family; minus strand). Cytogenetic location: Xq22.2.
Variant type: single nucleotide variant.
Coding change: c.205C>T on transcript NM_000533.5 (MANE Select); coding-DNA position 205, C replaced by T.
Protein change: p.Gln69Ter; replaces glutamine 69 with a stop codon.
Molecular consequence: nonsense.
Genome position (GRCh38, 1-based): chrX:103,786,478, C>T. VCF-style: chrX-103786478-C-T. GRCh37 (hg19) VCF-style: chrX-103041407-C-T.
Other names: c.205C>T, p.Gln69Ter (NM_001128834.3, NM_199478.3); c.40C>T, p.Gln14Ter (NM_001305004.1); short protein forms Q14*, Q69*.
Identifiers: ClinVar variation 1459546 (VCV001459546.7), dbSNP rs2147764198, ClinGen allele CA414102425.
Genomic context (GRCh38, chrX:103,786,478, plus strand): 5'-TCAATTAATAAGATTCCCTGGTCTCGTTTGTCTACCTGTTAATGCAGGATCCATGCCTTC[C>T]AGTATGTCATCTATGGAACTGCCTCTTTCTTCTTCCTTTATGGGGCCCTCCTGCTGGCTG-3'

ClinVar aggregate classification (germline): Pathogenic. Review status: criteria provided, multiple submitters, no conflicts (2 of 4 stars). 2 submissions from 2 submitters: Pathogenic (2). Last evaluated 2024-08-28.

Conditions:
Hereditary spastic paraplegia 2 (SPG2). Also called: SPASTIC PARAPLEGIA 2, X-LINKED; Spastic Paraplegia 2 (SPG2). Identifiers: Orphanet 99015, MedGen C0751604, MONDO:0010733, OMIM 312920.

Submissions (2):

3billion
Classification: Pathogenic for Hereditary spastic paraplegia 2. Last evaluated: 2024-08-28. Review status: criteria provided, single submitter. Criteria: ACMG Guidelines, 2015. Collection method: clinical testing. Allele origin: germline. Affected: yes.
Comment: The variant is not observed in the gnomAD v4.0.0 dataset. Predicted Consequence/Location: Stop-gained (nonsense): predicted to result in a loss or disruption of normal protein function through nonsense-mediated decay (NMD) or protein truncation. Multiple pathogenic variants are reported downstream of the variant. The variant has been reported to be associated with PLP1 related disorder (ClinVar ID: VCV001459546 /PMID: 21679407). Therefore, this variant is classified as Pathogenic according to the recommendation of ACMG/AMP guideline.

Labcorp Genetics (formerly Invitae), Labcorp
Classification: Pathogenic for Hereditary spastic paraplegia 2. Last evaluated: 2024-05-15. Review status: criteria provided, single submitter. Criteria: Invitae Variant Classification Sherloc (09022015). Collection method: clinical testing. Allele origin: germline.
Comment: This sequence change creates a premature translational stop signal (p.Gln69*) in the PLP1 gene. It is expected to result in an absent or disrupted protein product. Loss-of-function variants in PLP1 are known to be pathogenic (PMID: 18470932). This variant is not present in population databases (gnomAD no frequency). This premature translational stop signal has been observed in individual(s) with clinical features of hereditary spastic paraplegia (PMID: 21679407). ClinVar contains an entry for this variant (Variation ID: 1459546). For these reasons, this variant has been classified as Pathogenic.

Literature cited by the submitters: PubMed 21679407 (cited by 3billion and Labcorp Genetics (formerly Invitae), Labcorp); PubMed 18470932 (cited by Labcorp Genetics (formerly Invitae), Labcorp).